The following is an entry in ClinVar:

NM_152594.3(SPRED1):c.805A>C (p.Asn269His)

Gene: SPRED1 (sprouty related EVH1 domain containing 1; plus strand). Cytogenetic location: 15q14.
Variant type: single nucleotide variant.
Coding change: c.805A>C on transcript NM_152594.3 (MANE Select); coding-DNA position 805, A replaced by C.
Protein change: p.Asn269His; replaces asparagine 269 with histidine.
Molecular consequence: missense variant.
Genome position (GRCh38, 1-based): chr15:38,351,134, A>C. VCF-style: chr15-38351134-A-C. GRCh37 (hg19) VCF-style: chr15-38643335-A-C.
Other names: short protein forms N269H.
Identifiers: ClinVar variation 5030129 (VCV005030129.1).

ClinVar aggregate classification (germline): Uncertain significance (1 of 4 stars; one submission).

Conditions:
Cardiovascular phenotype. Identifiers: MedGen CN230736.

Submission:

Ambry Genetics
Classification: Uncertain significance for Cardiovascular phenotype. Last evaluated: 2026-08-23. Review status: criteria provided, single submitter. Criteria: Ambry Variant Classification Scheme 2023. Collection method: clinical testing. Allele origin: germline.
Comment: The p.N269H variant (also known as c.805A>C), located in coding exon 7 of the SPRED1 gene, results from an A to C substitution at nucleotide position 805. The asparagine at codon 269 is replaced by histidine, an amino acid with similar properties. This amino acid position is conserved. In addition, this alteration is predicted to be tolerated by in silico analysis. Based on the available evidence, the clinical significance of this variant remains unclear.